The following is an entry in ClinVar:

NM_001330588.2(TPP2):c.736G>A (p.Val246Ile)

Gene: TPP2 (tripeptidyl peptidase 2; plus strand). Cytogenetic location: 13q33.1.
Variant type: single nucleotide variant.
Coding change: c.736G>A on transcript NM_001330588.2 (MANE Select); coding-DNA position 736, G replaced by A.
Protein change: p.Val246Ile; replaces valine 246 with isoleucine.
Molecular consequence: missense variant. On other transcripts: non-coding transcript variant (1).
Genome position (GRCh38, 1-based): chr13:102,622,992, G>A. VCF-style: chr13-102622992-G-A. GRCh37 (hg19) VCF-style: chr13-103275342-G-A.
Other names: c.736G>A, p.Val246Ile (NM_001367947.1, NM_003291.4); c.736G>A (NM_003291.2); short protein forms V246I.
Identifiers: ClinVar variation 2057158 (VCV002057158.4), dbSNP rs138317610, ClinGen allele CA7037584.

ClinVar aggregate classification (germline): Uncertain significance. Review status: criteria provided, multiple submitters, no conflicts (2 of 4 stars). 2 submissions from 2 submitters: Uncertain significance (2). Last evaluated 2024-08-26.

Conditions:
Inborn genetic diseases. Identifiers: MedGen C0950123, MeSH D030342.
Evans syndrome, immunodeficiency, and premature immunosenescence associated with tripeptidyl-peptidase II deficiency. Identifiers: MedGen CN231723. Disease mechanism: loss of function.

Allele frequency attached by ClinVar (database versions not stated): ExAC 0.00003; gnomAD 0.00005; TOPMed 0.00005; ESP Exome Variant Server 0.00008; 1000 Genomes Project 30x 0.00016; 1000 Genomes Project 0.00020.
gnomAD v4.1: 39 of 1,614,026 alleles (0.0024%); highest among the groups gnomAD compares: Admixed American, 0.0067%; no homozygotes.

Submissions (2):

Labcorp Genetics (formerly Invitae), Labcorp
Classification: Uncertain significance for Evans syndrome, immunodeficiency, and premature immunosenescence associated with tripeptidyl-peptidase II deficiency. Last evaluated: 2024-08-26. Review status: criteria provided, single submitter. Criteria: Invitae Variant Classification Sherloc (09022015). Collection method: clinical testing. Allele origin: germline.
Comment: This sequence change replaces valine, which is neutral and non-polar, with isoleucine, which is neutral and non-polar, at codon 246 of the TPP2 protein (p.Val246Ile). This variant is present in population databases (rs138317610, gnomAD 0.007%). This variant has not been reported in the literature in individuals affected with TPP2-related conditions. ClinVar contains an entry for this variant (Variation ID: 2057158). An algorithm developed to predict the effect of missense changes on protein structure and function (PolyPhen-2) suggests that this variant¬†is likely to be tolerated. In summary, the available evidence is currently insufficient to determine the role of this variant in disease. Therefore, it has been classified as a Variant of Uncertain Significance.

Ambry Genetics
Classification: Uncertain significance for Inborn genetic diseases. Last evaluated: 2023-06-01. Review status: criteria provided, single submitter. Criteria: Ambry Variant Classification Scheme 2023. Collection method: clinical testing. Allele origin: germline.